The following is an entry in ClinVar:

NM_002273.4(KRT8):c.1392G>T (p.Lys464Asn)

Gene: KRT8 (keratin 8; minus strand). Cytogenetic location: 12q13.13.
Variant type: single nucleotide variant.
Coding change: c.1392G>T on transcript NM_002273.4 (MANE Select); coding-DNA position 1392, G replaced by T.
Protein change: p.Lys464Asn; replaces lysine 464 with asparagine.
Molecular consequence: missense variant. On other transcripts: non-coding transcript variant (1).
Genome position (GRCh38, 1-based): chr12:52,897,488, C>A on the plus strand (G>T on the coding strand, the complement: KRT8 is on the minus strand). VCF-style: chr12-52897488-C-A. GRCh37 (hg19) VCF-style: chr12-53291272-C-A.
Other names: c.1476G>T, p.Lys492Asn (NM_001256282.2); c.1392G>T, p.Lys464Asn (NM_001256293.2); short protein forms K464N, K492N.
Identifiers: ClinVar variation 66530 (VCV000066530.3), dbSNP rs201507031, ClinGen allele CA217258.

ClinVar aggregate classification (germline): Uncertain significance. Review status: criteria provided, multiple submitters, no conflicts (2 of 4 stars). 3 submissions from 3 submitters: Uncertain significance (2). 1 of the submissions does not count toward it. Last evaluated 2023-12-27.

Allele frequency attached by ClinVar (database versions not stated): ExAC 0.00010; gnomAD exomes 0.00011 and 0.00029; ESP Exome Variant Server 0.00016; gnomAD 0.00017 and 0.00018; TOPMed 0.00023.
gnomAD v4.1: 439 of 1,599,194 alleles (0.027%); highest among the groups gnomAD compares: Non-Finnish European, 0.035%; no homozygotes.

Submissions (3):

Women's Health and Genetics/Laboratory Corporation of America, LabCorp
Classification: Uncertain significance. Last evaluated: 2023-12-27. Review status: criteria provided, single submitter. Criteria: LabCorp Variant Classification Summary - May 2015. Collection method: clinical testing. Allele origin: germline.
Comment: Variant summary: KRT8 c.1392G>T (p.Lys464Asn) results in a non-conservative amino acid change in the encoded protein sequence. Five of five in-silico tools predict a damaging effect of the variant on protein function. The variant allele was found at a frequency of 0.00011 in 237292 control chromosomes (gnomAD). c.1392G>T has been reported in the literature in the heterozygous state in an individual affected with ulcerative colitis who had a family history of inflammatory bowel disease (Owens_2004). This report does not provide unequivocal conclusions about association of the variant with KRT8-Related Disorders. At least two publications report experimental evidence evaluating an impact on protein function (e.g. Owens_2004, Zupancic_2014). The variant exhibited a mildly reduced filament assembly efficiency compared to the WT protein and showed increased permeability in colon cell culture. However, at this time these findings do not allow convincing conclusions about the variant effect. The following publications have been ascertained in the context of this evaluation (PMID: 15090596, 24915158). One submitter has cited a clinical-significance assessment for this variant to ClinVar after 2014 and has classified the variant as uncertain significance. Based on the evidence outlined above, the variant was classified as uncertain significance.

GeneDx
Classification: Uncertain significance. Last evaluated: 2018-01-22. Review status: criteria provided, single submitter. Criteria: GeneDx Variant Classification (06012015). Collection method: clinical testing. Allele origin: germline. Affected: yes.
Comment: The K464N variant in the KRT8 gene has been reported previously in an individual with ulcerative colitis who also had a family history of irritable bowel disease (Owens et al., 2004). In vitro functional studies of K464N exhibited lowered efficiency during heterodimer formation, resulting in abnormal filament assembly and an increase in short fragments compared to wild type protein (Owens et al., 2004). K464N was also shown to severely affect the barrier function of a colonocyte monolayer, altering permeability, growth rate, and resistance to heat-stress (Zupancic et al., 2014). The K464N variant is observed in 25/123730 (0.02%) alleles from individuals of non-Finnish European background in large population cohorts (Lek et al., 2016). The K464N variant is a semi-conservative amino acid substitution, which may impact secondary protein structure as these residues differ in some properties. In-silico analyses, including protein predictors and evolutionary conservation, support that this variant does not alter protein structure/function. Based on the frequency of this variant in large population cohorts, we now interpret K464N as a variant of uncertain significance.

Epithelial Biology;  Institute of Medical Biology, Singapore
No classification provided. Review status: no classification provided. Collection method: not provided. Allele origin: not provided. Not counted in ClinVar's aggregate classification.

Literature cited by the submitters: PubMed 15090596 (cited by Women's Health and Genetics/Laboratory Corporation of America, LabCorp); PubMed 24915158 (cited by Women's Health and Genetics/Laboratory Corporation of America, LabCorp).